The following is an entry in ClinVar:

NM_000719.7(CACNA1C):c.14A>G (p.Asn5Ser)

Gene: CACNA1C (calcium voltage-gated channel subunit alpha1 C; plus strand). Cytogenetic location: 12p13.33.
Variant type: single nucleotide variant.
Coding change: c.14A>G on transcript NM_000719.7 (MANE Select); coding-DNA position 14, A replaced by G.
Protein change: p.Asn5Ser; replaces asparagine 5 with serine.
Molecular consequence: missense variant.
Genome position (GRCh38, 1-based): chr12:2,053,576, A>G. VCF-style: chr12-2053576-A-G. GRCh37 (hg19) VCF-style: chr12-2162742-A-G.
Other names: c.14A>G, p.Asn5Ser (NM_001129829.2, NM_001129830.3, NM_001129831.2 and 19 more transcripts); short protein forms N5S.
Identifiers: ClinVar variation 496070 (VCV000496070.7), dbSNP rs1555075958, ClinGen allele CA383650632.

ClinVar aggregate classification (germline): Uncertain significance. Review status: criteria provided, multiple submitters, no conflicts (2 of 4 stars). 3 submissions from 3 submitters: Uncertain significance (3). Last evaluated 2024-05-20.

Conditions:
Cardiovascular phenotype. Identifiers: MedGen CN230736.
Long QT syndrome (LQTS). Identifiers: MedGen C0023976, MeSH D008133, MONDO:0002442. Disease mechanism: loss of function. Inheritance: Various modes of inheritance.

Submissions (3):

Labcorp Genetics (formerly Invitae), Labcorp
Classification: Uncertain significance for Long QT syndrome. Last evaluated: 2024-05-20. Review status: criteria provided, single submitter. Criteria: Invitae Variant Classification Sherloc (09022015). Collection method: clinical testing. Allele origin: germline.
Comment: This sequence change replaces asparagine, which is neutral and polar, with serine, which is neutral and polar, at codon 5 of the CACNA1C protein (p.Asn5Ser). This variant is not present in population databases (gnomAD no frequency). This variant has not been reported in the literature in individuals affected with CACNA1C-related conditions. ClinVar contains an entry for this variant (Variation ID: 496070). Advanced modeling of protein sequence and biophysical properties (such as structural, functional, and spatial information, amino acid conservation, physicochemical variation, residue mobility, and thermodynamic stability) performed at Invitae indicates that this missense variant is not expected to disrupt CACNA1C protein function with a negative predictive value of 95%. In summary, the available evidence is currently insufficient to determine the role of this variant in disease. Therefore, it has been classified as a Variant of Uncertain Significance.

Ambry Genetics
Classification: Uncertain significance for Cardiovascular phenotype. Last evaluated: 2022-12-27. Review status: criteria provided, single submitter. Criteria: Ambry Variant Classification Scheme 2023. Collection method: clinical testing. Allele origin: germline.
Comment: The p.N5S variant (also known as c.14A>G), located in coding exon 1 of the CACNA1C gene, results from an A to G substitution at nucleotide position 14. The asparagine at codon 5 is replaced by serine, an amino acid with highly similar properties. This amino acid position is highly conserved in available vertebrate species. In addition, this alteration is predicted to be tolerated by in silico analysis. Since supporting evidence is limited at this time, the clinical significance of this alteration remains unclear.

Women's Health and Genetics/Laboratory Corporation of America, LabCorp
Classification: Uncertain significance. Last evaluated: 2016-12-05. Review status: criteria provided, single submitter. Criteria: LabCorp Variant Classification Summary - May 2015. Collection method: clinical testing. Allele origin: germline.
Comment: Variant summary: The CACNA1C c.14A>G (p.Asn5Ser) variant involves the alteration of a conserved nucleotide. 4/4 in silico tools predict a benign outcome for this variant (SNPs&GO not captured due to low reliability index). This variant is absent in 52688 control chromosomes. The variant of interest has not, to our knowledge, been reported in affected individuals via publications and/or reputable databases/clinical diagnostic laboratories; nor evaluated for functional impact by in vivo/vitro studies. Because of the absence of clinical information and the lack of functional studies, the variant is classified as a variant of uncertain significance (VUS) until additional information becomes available.